The following is an entry in ClinVar:

ClinVar aggregate classification (germline): Uncertain significance (1 of 4 stars; one submission).

Submission:

GeneDx
Classification: Uncertain significance. Last evaluated: 2024-03-01. Review status: criteria provided, single submitter. Criteria: GeneDx Variant Classification Process June 2021. Collection method: clinical testing. Allele origin: germline. Affected: yes.
Comment: Not observed at significant frequency in large population cohorts (gnomAD); In-frame insertion of 4 amino acids in a non-repeat region; Has not been previously published as pathogenic or benign to our knowledge

NM_007279.3(U2AF2):c.1400_1411dup (p.His470_Arg471insHisSerTyrHis)

Gene: U2AF2 (U2 small nuclear RNA auxiliary factor 2; plus strand). Cytogenetic location: 19q13.42.
Variant type: Duplication.
Coding change: c.1400_1411dup on transcript NM_007279.3 (MANE Select); coding-DNA positions 1400 to 1411, 12 bases duplicated (ACTCTTATCACC).
Protein change: p.His470_Arg471insHisSerTyrHis.
Molecular consequence: inframe insertion.
Genome position (GRCh38, 1-based): chr19:55,674,040-55,674,051, ACTCTTATCACC duplicated. VCF-style (leftmost placement, unchanged base first): chr19-55674039-G-GACTCTTATCACC. GRCh37 (hg19) VCF-style: chr19-56185405-G-GACTCTTATCACC.
Other names: c.1388_1399dup, p.His466_Arg467insHisSerTyrHis (NM_001012478.2).
Identifiers: ClinVar variation 3368513 (VCV003368513.1).